The following is an entry in ClinVar:

NM_201384.3(PLEC):c.6662G>A (p.Arg2221His)

Gene: PLEC (plectin; minus strand). Cytogenetic location: 8q24.3.
Variant type: single nucleotide variant.
Coding change: c.6662G>A on transcript NM_201384.3 (MANE Select); coding-DNA position 6662, G replaced by A.
Protein change: p.Arg2221His; replaces arginine 2221 with histidine.
Molecular consequence: missense variant.
Genome position (GRCh38, 1-based): chr8:143,923,267, C>T on the plus strand (G>A on the coding strand, the complement: PLEC is on the minus strand). VCF-style: chr8-143923267-C-T. GRCh37 (hg19) VCF-style: chr8-144997435-C-T.
Other names: c.6743G>A, p.Arg2248His (NM_000445.5); c.6620G>A, p.Arg2207His (NM_201378.4); c.6596G>A, p.Arg2199His (NM_201379.3); c.7073G>A, p.Arg2358His (NM_201380.4); c.6566G>A, p.Arg2189His (NM_201381.3); c.6662G>A, p.Arg2221His (NM_201382.4); c.6674G>A, p.Arg2225His (NM_201383.3); short protein forms R2189H, R2199H, R2221H, R2358H, R2225H, R2248H, R2207H.
Identifiers: ClinVar variation 658904 (VCV000658904.8), dbSNP rs782458946, ClinGen allele CA4925908.

ClinVar aggregate classification (germline): Uncertain significance. Review status: criteria provided, multiple submitters, no conflicts (2 of 4 stars). 3 submissions from 3 submitters: Uncertain significance (3). Last evaluated 2026-06-25.

Conditions:
PLEC-related disorder. Also called: PLEC-related condition; PLEC-related disorders.
Autosomal recessive limb-girdle muscular dystrophy type 2Q (LGMDR17). Also called: MUSCULAR DYSTROPHY, LIMB-GIRDLE, AUTOSOMAL RECESSIVE 17. Identifiers: Orphanet 254361, MedGen C3150989, MONDO:0013390, OMIM 613723.
Epidermolysis bullosa simplex 5B, with muscular dystrophy (EBS5B). Also called: EPIDERMOLYSIS BULLOSA SIMPLEX AND LIMB-GIRDLE MUSCULAR DYSTROPHY; Epidermolysis bullosa simplex with muscular dystrophy. Identifiers: Orphanet 257, MedGen C2931072, MONDO:0009181, OMIM 226670.
Epidermolysis bullosa simplex with nail dystrophy (EBS5D). Identifiers: MedGen C4225309, MONDO:0014661, OMIM 616487.
Epidermolysis bullosa simplex 5C, with pyloric atresia (EBS5C). Also called: PLEC-Related Epidermolysis Bullosa with Pyloric Atresia; Epidermolysis bullosa simplex with pyloric atresia; PLEC1-Related Epidermolysis Bullosa with Pyloric Atresia. Identifiers: Orphanet 158684, MedGen C2677349, MONDO:0012807, OMIM 612138.
Epidermolysis bullosa simplex, Ogna type (EBS5A). Also called: EPIDERMOLYSIS BULLOSA SIMPLEX 5A, OGNA TYPE; Pidermolysis bullosa simplex 5A, Ogna type. Identifiers: Orphanet 79401, MedGen C0432317, MONDO:0007555, OMIM 131950.

Allele frequency attached by ClinVar (database versions not stated): gnomAD 0.00003; TOPMed 0.00003.
gnomAD v4.1: 33 of 1,606,522 alleles (0.0021%); highest among the groups gnomAD compares: African/African-American, 0.0027%; no homozygotes.

Submissions (3):

PreventionGenetics, part of Exact Sciences
Classification: Uncertain significance for PLEC-related condition. Last evaluated: 2026-06-25. Review status: criteria provided, single submitter. Criteria: ACMG Guidelines, 2015. Collection method: clinical testing. Allele origin: germline.
Comment: The PLEC c.6743G>A variant is predicted to result in the amino acid substitution p.Arg2248His. To our knowledge, this variant has not been reported in the literature. This variant is reported in 0.0080% of alleles in individuals of European (Non-Finnish) descent in gnomAD. At this time, the clinical significance of this variant is uncertain due to the absence of conclusive functional and genetic evidence.

Labcorp Genetics (formerly Invitae), Labcorp
Classification: Uncertain significance for Autosomal recessive limb-girdle muscular dystrophy type 2Q; Epidermolysis bullosa simplex, Ogna type; Epidermolysis bullosa simplex with nail dystrophy; Epidermolysis bullosa simplex 5C, with pyloric atresia; Epidermolysis bullosa simplex 5B, with muscular dystrophy. Last evaluated: 2025-10-18. Review status: criteria provided, single submitter. Criteria: Invitae Variant Classification Sherloc (09022015). Collection method: clinical testing. Allele origin: germline.
Comment: This sequence change replaces arginine, which is basic and polar, with histidine, which is basic and polar, at codon 2248 of the PLEC protein (p.Arg2248His). This variant is present in population databases (rs782458946, gnomAD 0.008%). This variant has not been reported in the literature in individuals affected with PLEC-related conditions. ClinVar contains an entry for this variant (Variation ID: 658904). An algorithm developed to predict the effect of missense changes on protein structure and function (PolyPhen-2) suggests that this variant is likely to be disruptive. In summary, the available evidence is currently insufficient to determine the role of this variant in disease. Therefore, it has been classified as a Variant of Uncertain Significance.

Revvity Omics, Revvity
Classification: Uncertain significance. Last evaluated: 2024-06-11. Review status: criteria provided, single submitter. Criteria: ACMG Guidelines, 2015. Collection method: clinical testing. Allele origin: germline.